The following is an entry in ClinVar:

ClinVar aggregate classification (germline): Uncertain significance. Review status: criteria provided, multiple submitters, no conflicts (2 of 4 stars). 2 submissions from 2 submitters: Uncertain significance (2). Last evaluated 2024-12-19.

Conditions:
Pontocerebellar hypoplasia type 3 (PCH3). Also called: PCH WITH OPTIC ATROPHY; CEREBELLAR ATROPHY WITH PROGRESSIVE MICROCEPHALY. Identifiers: Orphanet 97249, MedGen C1842687, MONDO:0011948, OMIM 608027.

Submissions (2):

Genomic Medicine Center of Excellence, King Faisal Specialist Hospital and Research Centre
Classification: Uncertain significance for Pontocerebellar hypoplasia type 3. Last evaluated: 2024-12-19. Review status: criteria provided, single submitter. Criteria: ACMG Guidelines, 2015. Collection method: clinical testing. Allele origin: germline.

Labcorp Genetics (formerly Invitae), Labcorp
Classification: Uncertain significance. Last evaluated: 2022-08-31. Review status: criteria provided, single submitter. Criteria: Invitae Variant Classification Sherloc (09022015). Collection method: clinical testing. Allele origin: germline.
Comment: In summary, the available evidence is currently insufficient to determine the role of this variant in disease. Therefore, it has been classified as a Variant of Uncertain Significance. Experimental studies and prediction algorithms are not available or were not evaluated, and the functional significance of this variant is currently unknown. ClinVar contains an entry for this variant (Variation ID: 1489286). This variant has not been reported in the literature in individuals affected with PCLO-related conditions. This variant is present in population databases (rs757000211, gnomAD 0.02%). This variant, c.7373_7387del, results in the deletion of 5 amino acid(s) of the PCLO protein (p.Ala2458_Leu2462del), but otherwise preserves the integrity of the reading frame.

NM_033026.6(PCLO):c.7373_7387del (p.Ala2458_Leu2462del)

Gene: PCLO (piccolo presynaptic cytomatrix protein; minus strand). Cytogenetic location: 7q21.11.
Variant type: Deletion.
Coding change: c.7373_7387del on transcript NM_033026.6 (MANE Select); coding-DNA positions 7373 to 7387, 15 bases deleted (CTGTTACTACTCTAG).
Protein change: p.Ala2458_Leu2462del.
Molecular consequence: inframe deletion.
Genome position (GRCh38, 1-based): chr7:82,953,566-82,953,580, CTAGAGTAGTAACAG deleted on the plus strand (CTGTTACTACTCTAG on the coding strand, the reverse complement: PCLO is on the minus strand); deleting any 15 consecutive bases within chr7:82,953,566-82,953,581 gives the same sequence; the c. name uses the placement nearest the transcript's 3' end. VCF-style (leftmost placement, unchanged base first): chr7-82953565-TCTAGAGTAGTAACAG-T. GRCh37 (hg19) VCF-style: chr7-82582881-TCTAGAGTAGTAACAG-T.
Other names: c.7373_7387del, p.Ala2458_Leu2462del (NM_014510.3).
Identifiers: ClinVar variation 1489286 (VCV001489286.7), dbSNP rs757000211, ClinGen allele CA4320314.